The following is an entry in ClinVar:

NM_001374385.1(ATP8B1):c.1030A>T (p.Ile344Phe)

Gene: ATP8B1 (ATPase phospholipid transporting 8B1; minus strand). Cytogenetic location: 18q21.31.
Variant type: single nucleotide variant.
Coding change: c.1030A>T on transcript NM_001374385.1 (MANE Select); coding-DNA position 1030, A replaced by T.
Protein change: p.Ile344Phe; replaces isoleucine 344 with phenylalanine.
Molecular consequence: missense variant.
Genome position (GRCh38, 1-based): chr18:57,691,997, T>A on the plus strand (A>T on the coding strand, the complement: ATP8B1 is on the minus strand). VCF-style: chr18-57691997-T-A. GRCh37 (hg19) VCF-style: chr18-55359229-T-A.
Other names: c.880A>T, p.Ile294Phe (NM_001374386.1); c.1030A>T, p.Ile344Phe (NM_005603.6); short protein forms I294F, I344F.
Identifiers: ClinVar variation 3251916 (VCV003251916.2), dbSNP rs140665115.
Genomic context (GRCh38, chr18:57,691,997, plus strand): 5'-CTTCCCAATAAGCATGGCCGATGGCAAGACCAGCAGAAAGCAGAATAAGAACAACAAAGA[T>A]CTAGAAGACAGAAAACATTTAAATGCATTCTGAAGATGGATTTCCAACCTCTTGCATTTC-3'
Protein context (NP_001361314.1, residues 334-354): DYLMNYMVYT[Ile344Phe]FVVLILLSAG

ClinVar aggregate classification (germline): Likely pathogenic. Review status: criteria provided, multiple submitters, no conflicts (2 of 4 stars). 2 submissions from 2 submitters: Likely pathogenic (2). Last evaluated 2026-04-14.

Conditions:
Familial intrahepatic cholestasis. Identifiers: Orphanet 284385, MedGen CN296401, MONDO:0017290.
Progressive familial intrahepatic cholestasis (PFIC). Also called: Progressive family intrahepatic cholestasis; Progressive intrahepatic cholestasis. Identifiers: Orphanet 172, MedGen C0268312, MONDO:0015762.

Allele frequency attached by ClinVar (database versions not stated): ExAC 0.00001; gnomAD 0.00001; TOPMed 0.00001; ESP Exome Variant Server 0.00008.
gnomAD v4.1: 14 of 1,611,452 alleles (0.00087%); highest among the groups gnomAD compares: Non-Finnish European, 0.001%; no homozygotes.

Submissions (2):

Genomenon, Inc
Classification: Likely pathogenic for Familial intrahepatic cholestasis. Last evaluated: 2026-04-14. Review status: criteria provided, single submitter. Criteria: Genomenon Sequence Variant Interpretation Standards - Updated. Collection method: curation. Allele origin: germline. Affected: yes.
Comment: ATP8B1 p.Ile344Phe (c.1030A>T) is a missense variant that changes the amino acid at residue 344 from Isoleucine to Phenylalanine. This variant has been observed in at least one proband with features of ATP8B1-deficiency (PMID:15239083). At least one functional study has demonstrated a substantial alteration in protein function relative to the wild-type (PMID:25315773). It is absent or not present at a significant frequency in gnomAD. In silico models predict that this variant is possibly or probably damaging. In conclusion, we classify ATP8B1 p.Ile344Phe (c.1030A>T) as a likely pathogenic variant.

Women's Health and Genetics/Laboratory Corporation of America, LabCorp
Classification: Likely pathogenic for Progressive familial intrahepatic cholestasis. Last evaluated: 2024-04-17. Review status: criteria provided, single submitter. Criteria: LabCorp Variant Classification Summary - May 2015. Collection method: clinical testing. Allele origin: germline.
Comment: Variant summary: ATP8B1 c.1030A>T (p.Ile344Phe) results in a non-conservative amino acid change in the encoded protein sequence. Five of five in-silico tools predict a damaging effect of the variant on protein function. The variant allele was found at a frequency of 8.1e-06 in 246246 control chromosomes (gnomAD). c.1030A>T has been reported in the literature in an individual(s) affected with benign recurrent intrahepatic cholestasis (Klomp_2004). These data do not allow any conclusion about variant significance. Publications report experimental evidence evaluating an impact on protein function. The most pronounced variant effect results in the loss of normal flippase activity (Takatsu_2014). The following publications have been ascertained in the context of this evaluation (PMID: 15239083, 23060447, 25315773). No submitters have cited clinical-significance assessments for this variant to ClinVar. Based on the evidence outlined above, the variant was classified as likely pathogenic.

Literature cited by the submitters: PubMed 15239083 (cited by Genomenon, Inc and Women's Health and Genetics/Laboratory Corporation of America, LabCorp); PubMed 25315773 (cited by Genomenon, Inc and Women's Health and Genetics/Laboratory Corporation of America, LabCorp); PubMed 23060447 (cited by Women's Health and Genetics/Laboratory Corporation of America, LabCorp).